The following is an entry in ClinVar:

ClinVar aggregate classification (germline): Pathogenic (1 of 4 stars; one submission).

Conditions:
Arrhythmogenic right ventricular dysplasia 10. Also called: Arrhythmogenic Right Ventricular Dysplasia/Cardiomyopathy10; ARRHYTHMOGENIC RIGHT VENTRICULAR DYSPLASIA, FAMILIAL, 10; Arrhythmogenic right ventricular dysplasia/cardiomyopathy, type 10. Identifiers: MedGen C1857777, MONDO:0012434, OMIM 610193.

Submission:

Labcorp Genetics (formerly Invitae), Labcorp
Classification: Pathogenic for Arrhythmogenic right ventricular dysplasia 10. Last evaluated: 2025-06-03. Review status: criteria provided, single submitter. Criteria: Invitae Variant Classification Sherloc (09022015). Collection method: clinical testing. Allele origin: germline.
Comment: This sequence change creates a premature translational stop signal (p.Met345*) in the DSG2 gene. It is expected to result in an absent or disrupted protein product. Loss-of-function variants in DSG2 are known to be pathogenic (PMID: 17105751, 31386562). This variant is not present in population databases (gnomAD no frequency). This variant has not been reported in the literature in individuals affected with DSG2-related conditions. For these reasons, this variant has been classified as Pathogenic.

Literature cited by the submitters: PubMed 17105751; PubMed 31386562.

NM_001943.5(DSG2):c.1033del (p.Glu344_Met345insTer)

Gene: DSG2 (desmoglein 2; plus strand). Cytogenetic location: 18q12.1.
Variant type: Deletion.
Coding change: c.1033del on transcript NM_001943.5 (MANE Select); coding-DNA position 1033, one base deleted (A; older notation c.1033delA).
Protein change: p.Glu344_Met345insTer.
Molecular consequence: nonsense.
Genome position (GRCh38, 1-based): chr18:31,531,005, A deleted; the last of 3 consecutive A bases (chr18:31,531,003-31,531,005); deleting any one gives the same sequence. VCF-style (leftmost placement, unchanged base first): chr18-31531002-GA-G. GRCh37 (hg19) VCF-style: chr18-29110965-GA-G.
Identifiers: ClinVar variation 4811017 (VCV004811017.1).